The following is an entry in ClinVar:

ClinVar aggregate classification (germline): Uncertain significance (1 of 4 stars; one submission).

Conditions:
Long QT syndrome (LQTS). Identifiers: MedGen C0023976, MeSH D008133, MONDO:0002442. Disease mechanism: loss of function. Inheritance: Various modes of inheritance.

Submission:

Labcorp Genetics (formerly Invitae), Labcorp
Classification: Uncertain significance for Long QT syndrome. Last evaluated: 2025-06-13. Review status: criteria provided, single submitter. Criteria: Invitae Variant Classification Sherloc (09022015). Collection method: clinical testing. Allele origin: germline.
Comment: This sequence change replaces serine, which is neutral and polar, with tryptophan, which is neutral and slightly polar, at codon 178 of the KCNH2 protein (p.Ser178Trp). This variant is not present in population databases (gnomAD no frequency). This variant has not been reported in the literature in individuals affected with KCNH2-related conditions. ClinVar contains an entry for this variant (Variation ID: 3677536). An algorithm developed to predict the effect of missense changes on protein structure and function (PolyPhen-2) suggests that this variant is likely to be disruptive. In summary, the available evidence is currently insufficient to determine the role of this variant in disease. Therefore, it has been classified as a Variant of Uncertain Significance.

NM_000238.4(KCNH2):c.533C>G (p.Ser178Trp)

Gene: KCNH2 (potassium voltage-gated channel subfamily H member 2; minus strand). Cytogenetic location: 7q36.1.
Variant type: single nucleotide variant.
Coding change: c.533C>G on transcript NM_000238.4 (MANE Select); coding-DNA position 533, C replaced by G.
Protein change: p.Ser178Trp; replaces serine 178 with tryptophan.
Molecular consequence: missense variant. On other transcripts: non-coding transcript variant (1).
Genome position (GRCh38, 1-based): chr7:150,958,442, G>C on the plus strand (C>G on the coding strand, the complement: KCNH2 is on the minus strand). VCF-style: chr7-150958442-G-C. GRCh37 (hg19) VCF-style: chr7-150655530-G-C.
Other names: c.245C>G, p.Ser82Trp (NM_001406753.1, NM_001406756.1); c.356C>G, p.Ser119Trp (NM_001406755.1); c.233C>G, p.Ser78Trp (NM_001406757.1); c.533C>G, p.Ser178Trp (NM_172056.3); short protein forms S178W, S82W, S78W, S119W.
Identifiers: ClinVar variation 3677536 (VCV003677536.2).